The following is an entry in ClinVar:

NM_004315.6(ASAH1):c.12C>T (p.Cys4=)

Gene: ASAH1 (N-acylsphingosine amidohydrolase 1; minus strand). Cytogenetic location: 8p22.
Variant type: single nucleotide variant.
Coding change: c.12C>T on transcript NM_004315.6; coding-DNA position 12, C replaced by T.
Protein change: p.Cys4=; no amino-acid change (cysteine 4 retained).
Molecular consequence: synonymous variant.
Genome position (GRCh38, 1-based): chr8:18,084,790, G>A on the plus strand (C>T on the coding strand, the complement: ASAH1 is on the minus strand). VCF-style: chr8-18084790-G-A. GRCh37 (hg19) VCF-style: chr8-17942299-G-A.
Other names: c.12C>T, p.Cys4= (NM_001127505.3).
Identifiers: ClinVar variation 3031296 (VCV003031296.2), dbSNP rs191092536, ClinGen allele CA4651242.

ClinVar aggregate classification (germline): Likely benign (0 of 4 stars; one submission).

Conditions:
ASAH1-related disorders. Also called: ASAH1-related condition; ASAH1-related disorder. Identifiers: MedGen CN376120, MONDO:0800460.

Allele frequency attached by ClinVar (database versions not stated): TOPMed 0.00002; ExAC 0.00003; 1000 Genomes Project 0.00020; ESP Exome Variant Server 0.00008; 1000 Genomes Project 30x 0.00016; gnomAD exomes 0.00003; gnomAD 0.00003.
gnomAD v4.1: 50 of 1,613,620 alleles (0.0031%); highest among the groups gnomAD compares: Admixed American, 0.005%; no homozygotes.

Submission:

PreventionGenetics, part of Exact Sciences
Classification: Likely benign for ASAH1-related condition. Last evaluated: 2024-01-08. Review status: no assertion criteria provided. Collection method: clinical testing. Allele origin: germline.
Comment: This variant is classified as likely benign based on ACMG/AMP sequence variant interpretation guidelines (Richards et al. 2015 PMID: 25741868, with internal and published modifications).